The following is an entry in ClinVar:

ClinVar aggregate classification (germline): Uncertain significance (1 of 4 stars; one submission).

Submission:

Women's Health and Genetics/Laboratory Corporation of America, LabCorp
Classification: Uncertain significance. Last evaluated: 2024-02-20. Review status: criteria provided, single submitter. Criteria: LabCorp Variant Classification Summary - May 2015. Collection method: clinical testing. Allele origin: germline.
Comment: Variant summary: BICRA c.2570C>G (p.Pro857Arg) results in a non-conservative amino acid change in the encoded protein sequence. Four of five in-silico tools predict a benign effect of the variant on protein function. The variant allele was found at a frequency of 3.8e-06 in 1041190 control chromosomes. The available data on variant occurrences in the general population are insufficient to allow any conclusion about variant significance. To our knowledge, no occurrence of c.2570C>G in individuals affected with Coffin-Siris Syndrome 12 and no experimental evidence demonstrating its impact on protein function have been reported. No submitters have cited clinical-significance assessments for this variant to ClinVar. Based on the evidence outlined above, the variant was classified as uncertain significance.

NM_001394372.1(BICRA):c.2570C>G (p.Pro857Arg)

Gene: BICRA (BRD4 interacting chromatin remodeling complex associated protein; plus strand). Cytogenetic location: 19q13.33.
Variant type: single nucleotide variant.
Coding change: c.2570C>G on transcript NM_001394372.1 (MANE Select); coding-DNA position 2570, C replaced by G.
Protein change: p.Pro857Arg; replaces proline 857 with arginine.
Molecular consequence: missense variant.
Genome position (GRCh38, 1-based): chr19:47,694,401, C>G. VCF-style: chr19-47694401-C-G. GRCh37 (hg19) VCF-style: chr19-48197658-C-G.
Other names: c.2570C>G, p.Pro857Arg (NM_015711.3); short protein forms P857R.
Identifiers: ClinVar variation 3069112 (VCV003069112.2), dbSNP rs555645094, ClinGen allele CA309251106.
Genomic context (GRCh38, chr19:47,694,401, plus strand): 5'-TCCAAAACCAGCTAGGCGTTCCCCCGCCTGCCAGCAACCCGGCCCCTACTGCCCCAGGCC[C>G]GCCGCAGCCGCCTCTCCGCCCCCAGTCCCAGCCGCCTGAGGGACCGCTGCCCCCAGCCCC-3'
Protein context (NP_001381301.1, residues 847-867): ASNPAPTAPG[Pro857Arg]PQPPLRPQSQ